The following is an entry in ClinVar:

ClinVar aggregate classification (germline): Uncertain significance (1 of 4 stars; one submission).

Submission:

Ambry Genetics
Classification: Uncertain significance. Last evaluated: 2024-01-31. Review status: criteria provided, single submitter. Criteria: Ambry Variant Classification Scheme 2023. Collection method: clinical testing. Allele origin: germline.
Comment: The p.I259V variant (also known as c.775A>G), located in coding exon 5 of the CTNNA3 gene, results from an A to G substitution at nucleotide position 775. The isoleucine at codon 259 is replaced by valine, an amino acid with highly similar properties. This amino acid position is conserved. In addition, this alteration is predicted to be tolerated by in silico analysis. Based on the available evidence, the clinical significance of this alteration remains unclear.

NM_013266.4(CTNNA3):c.775A>G (p.Ile259Val)

Gene: CTNNA3 (catenin alpha 3; minus strand). Cytogenetic location: 10q21.3.
Variant type: single nucleotide variant.
Coding change: c.775A>G on transcript NM_013266.4 (MANE Select); coding-DNA position 775, A replaced by G.
Protein change: p.Ile259Val; replaces isoleucine 259 with valine.
Molecular consequence: missense variant.
Genome position (GRCh38, 1-based): chr10:67,219,675, T>C on the plus strand (A>G on the coding strand, the complement: CTNNA3 is on the minus strand). VCF-style: chr10-67219675-T-C. GRCh37 (hg19) VCF-style: chr10-68979433-T-C.
Other names: c.775A>G, p.Ile259Val (NM_001127384.3); c.811A>G, p.Ile271Val (NM_001291133.2); short protein forms I259V, I271V.
Identifiers: ClinVar variation 3226244 (VCV003226244.1), dbSNP rs2548039635, ClinGen allele CA377097283.